The following is an entry in ClinVar:

NM_205834.4(LSR):c.1171G>C (p.Glu391Gln)

Gene: LSR (lipolysis stimulated lipoprotein receptor; plus strand). Cytogenetic location: 19q13.12.
Variant type: single nucleotide variant.
Coding change: c.1171G>C on transcript NM_205834.4 (MANE Select); coding-DNA position 1171, G replaced by C.
Protein change: p.Glu391Gln; replaces glutamic acid 391 with glutamine.
Molecular consequence: missense variant.
Genome position (GRCh38, 1-based): chr19:35,267,135, G>C. VCF-style: chr19-35267135-G-C. GRCh37 (hg19) VCF-style: chr19-35758038-G-C.
Other names: c.1111G>C, p.Glu371Gln (NM_001260489.2); c.847G>C, p.Glu283Gln (NM_001260490.2); c.964G>C, p.Glu322Gln (NM_001385215.1); c.1114G>C, p.Glu372Gln (NM_015925.7); c.967G>C, p.Glu323Gln (NM_205835.4); short protein forms E283Q, E322Q, E323Q, E371Q, E372Q, E391Q.
Identifiers: ClinVar variation 4891188 (VCV004891188.1).

ClinVar aggregate classification (germline): Uncertain significance (1 of 4 stars; one submission).

gnomAD v4.1: 2 of 1,529,074 alleles (0.00013%); highest among the groups gnomAD compares: East Asian, 0.0023%; no homozygotes.

Submission:

Greenwood Genetic Center Diagnostic Laboratories, Greenwood Genetic Center
Classification: Uncertain significance. Last evaluated: 2026-06-25. Review status: criteria provided, single submitter. Criteria: ACMG Guidelines, 2015. Collection method: clinical testing. Allele origin: germline.
Comment: Gene of Uncertain Significance